The following is an entry in ClinVar:

NM_000219.6(KCNE1):c.338T>C (p.Leu113Pro)

Gene: KCNE1 (potassium voltage-gated channel subfamily E regulatory subunit 1; minus strand). Cytogenetic location: 21q22.12.
Variant type: single nucleotide variant.
Coding change: c.338T>C on transcript NM_000219.6 (MANE Select); coding-DNA position 338, T replaced by C.
Protein change: p.Leu113Pro; replaces leucine 113 with proline.
Molecular consequence: missense variant.
Genome position (GRCh38, 1-based): chr21:34,449,297, A>G on the plus strand (T>C on the coding strand, the complement: KCNE1 is on the minus strand). VCF-style: chr21-34449297-A-G. GRCh37 (hg19) VCF-style: chr21-35821595-A-G.
Other names: c.338T>C, p.Leu113Pro (NM_001127668.4, NM_001127669.4, NM_001127670.4 and 4 more transcripts); short protein forms L113P.
Identifiers: ClinVar variation 3374680 (VCV003374680.2).
Genomic context (GRCh38, chr21:34,449,297, plus strand): 5'-GGTGGGGTTCATGGGGAAGGCTTCGTCTCAGGAAGGTGTGTGTTGGGTTGTTCTATGGCC[A>G]GATGGTTTTCAACGACATAGCACGACCTGTAGCTCTCCAGGACCCGGGCCTGGACATAGG-3'
Protein context (NP_000210.2, residues 103-123): YRSCYVVENH[Leu113Pro]AIEQPNTHLP

Conditions:
Long QT syndrome 5 (LQT5). Identifiers: Orphanet 101016, Orphanet 768, MedGen C1867904, MONDO:0013372, OMIM 613695.

Submission:

Roden Lab, Vanderbilt University Medical Center
No classification provided (evidence only). Condition: Long QT syndrome 5. Review status: no classification provided. Collection method: in vitro. Allele origin: not applicable. Functional consequence: Effect on ion channel function.
ClinVar note: "not provided" was previously submitted as the classification for the variant. However, the classification appeared to be based only on an observation of functional data so it was converted to no classification on 2025-07-30.